The following is an entry in ClinVar:

NM_199420.4(POLQ):c.2281A>T (p.Met761Leu)

Gene: POLQ (DNA polymerase theta; minus strand). Cytogenetic location: 3q13.33.
Variant type: single nucleotide variant.
Coding change: c.2281A>T on transcript NM_199420.4 (MANE Select); coding-DNA position 2281, A replaced by T.
Protein change: p.Met761Leu; replaces methionine 761 with leucine.
Molecular consequence: missense variant.
Genome position (GRCh38, 1-based): chr3:121,493,719, T>A on the plus strand (A>T on the coding strand, the complement: POLQ is on the minus strand). VCF-style: chr3-121493719-T-A. GRCh37 (hg19) VCF-style: chr3-121212566-T-A.
Other names: short protein forms M761L.
Identifiers: ClinVar variation 3422665 (VCV003422665.1).
Genomic context (GRCh38, chr3:121,493,719, plus strand): 5'-ATTGGGAAAGTAGTAGTTCCATGTTGTGCCAGCCCAGACGGTTGGAAAATACTGTAATCA[T>A]CCCTAGAACATTCATAGAATATTTGTTGAATTCAATTTTTTTTACAGACGAATTCTCCAT-3'
Protein context (NP_955452.3, residues 751-771): LQQSAAVYAG[Met761Leu]ITVFSNRLGW

ClinVar aggregate classification (germline): Uncertain significance (1 of 4 stars; one submission).

Submission:

Ambry Genetics
Classification: Uncertain significance. Last evaluated: 2024-11-15. Review status: criteria provided, single submitter. Criteria: Ambry Variant Classification Scheme 2023. Collection method: clinical testing. Allele origin: germline.
Comment: The p.M761L variant (also known as c.2281A>T), located in coding exon 15 of the POLQ gene, results from an A to T substitution at nucleotide position 2281. The methionine at codon 761 is replaced by leucine, an amino acid with highly similar properties. This amino acid position is conserved. In addition, the in silico prediction for this alteration is inconclusive. Based on the available evidence, the clinical significance of this variant remains unclear.